The following is an entry in ClinVar:

NM_000308.4(CTSA):c.764A>G (p.Glu255Gly)

Gene: CTSA (cathepsin A; plus strand). Cytogenetic location: 20q13.12.
Variant type: single nucleotide variant.
Coding change: c.764A>G on transcript NM_000308.4 (MANE Select); coding-DNA position 764, A replaced by G.
Protein change: p.Glu255Gly; replaces glutamic acid 255 with glycine.
Molecular consequence: missense variant. On other transcripts: non-coding transcript variant (1).
Genome position (GRCh38, 1-based): chr20:45,894,059, A>G. VCF-style: chr20-45894059-A-G. GRCh37 (hg19) VCF-style: chr20-44522698-A-G.
Other names: c.764A>G, p.Glu255Gly (NM_001127695.3); c.713A>G, p.Glu238Gly (NM_001167594.3); short protein forms E238G, E255G.
Identifiers: ClinVar variation 3771878 (VCV003771878.13).

ClinVar aggregate classification (germline): Uncertain significance (1 of 4 stars; one submission).

Submission:

CeGaT Center for Human Genetics Tuebingen
Classification: Uncertain significance. Last evaluated: 2025-02-01. Review status: criteria provided, single submitter. Criteria: CeGaT Center For Human Genetics Tuebingen Variant Classification Criteria Version 2. Collection method: clinical testing. Allele origin: germline. Affected: yes. Observed: 1 variant allele.
Comment: CTSA: PM2, BP4